The following is an entry in ClinVar:

ClinVar aggregate classification (germline): Uncertain significance (1 of 4 stars; one submission).

Conditions:
Ataxia-telangiectasia-like disorder (ATLD). Identifiers: MedGen C1858391, MONDO:0011457.

Submission:

Labcorp Genetics (formerly Invitae), Labcorp
Classification: Uncertain significance for Ataxia-telangiectasia-like disorder. Last evaluated: 2021-08-03. Review status: criteria provided, single submitter. Criteria: Invitae Variant Classification Sherloc (09022015). Collection method: clinical testing. Allele origin: germline.
Comment: In summary, the available evidence is currently insufficient to determine the role of this variant in disease. Therefore, it has been classified as a Variant of Uncertain Significance. Algorithms developed to predict the effect of missense changes on protein structure and function output the following: SIFT: "Tolerated"; PolyPhen-2: "Benign"; Align-GVGD: "Class C0". The threonine amino acid residue is found in multiple mammalian species, which suggests that this missense change does not adversely affect protein function. This variant has not been reported in the literature in individuals affected with MRE11-related conditions. This variant is not present in population databases (ExAC no frequency). This sequence change replaces alanine with threonine at codon 565 of the MRE11 protein (p.Ala565Thr). The alanine residue is weakly conserved and there is a small physicochemical difference between alanine and threonine.

NM_005591.4(MRE11):c.1693G>A (p.Ala565Thr)

Gene: MRE11 (MRE11 double strand break repair nuclease; minus strand). Cytogenetic location: 11q21.
Variant type: single nucleotide variant.
Coding change: c.1693G>A on transcript NM_005591.4 (MANE Select); coding-DNA position 1693, G replaced by A.
Protein change: p.Ala565Thr; replaces alanine 565 with threonine.
Molecular consequence: missense variant.
Genome position (GRCh38, 1-based): chr11:94,447,309, C>T on the plus strand (G>A on the coding strand, the complement: MRE11 is on the minus strand). VCF-style: chr11-94447309-C-T. GRCh37 (hg19) VCF-style: chr11-94180475-C-T.
Other names: c.1693G>A, p.Ala565Thr (NM_001330347.2, NM_005590.4); short protein forms A565T.
Identifiers: ClinVar variation 1681569 (VCV001681569.6), dbSNP rs1448557920, ClinGen allele CA382368314.